The following is an entry in ClinVar:

ClinVar aggregate classification (germline): Conflicting classifications of pathogenicity. Review status: criteria provided, conflicting classifications (1 of 4 stars). 2 submissions from 2 submitters: Uncertain significance (1); Benign (1). Last evaluated 2026-02-16.

Conditions:
Hereditary hemorrhagic telangiectasia (HHT). Also called: ORW DISEASE; Osler Weber Rendu syndrome; OSLER-RENDU-WEBER DISEASE; Osler hemorrhagic telangiectasia syndrome. Identifiers: Orphanet 774, MedGen C0039445, MONDO:0019180. Disease mechanism: loss of function.
Cardiovascular phenotype. Identifiers: MedGen CN230736.

Allele frequency attached by ClinVar (database versions not stated): 1000 Genomes Project 0.00020; ExAC 0.00001; TOPMed 0.00001; 1000 Genomes Project 30x 0.00016.
gnomAD v4.1: 17 of 1,614,140 alleles (0.0011%); highest among the groups gnomAD compares: African/African-American, 0.008%; no homozygotes.

Submissions (2):

Ambry Genetics
Classification: Uncertain significance for Cardiovascular phenotype. Last evaluated: 2026-02-16. Review status: criteria provided, single submitter. Criteria: Ambry Variant Classification Scheme 2023. Collection method: clinical testing. Allele origin: germline.
Comment: The p.A511V variant (also known as c.1532C>T), located in coding exon 12 of the ENG gene, results from a C to T substitution at nucleotide position 1532. The alanine at codon 511 is replaced by valine, an amino acid with similar properties. This amino acid position is conserved. In addition, this alteration is predicted to be tolerated by in silico analysis. Based on the available evidence, the clinical significance of this variant remains unclear.

Labcorp Genetics (formerly Invitae), Labcorp
Classification: Benign for Hereditary hemorrhagic telangiectasia. Last evaluated: 2022-03-17. Review status: criteria provided, single submitter. Criteria: Invitae Variant Classification Sherloc (09022015). Collection method: clinical testing. Allele origin: germline.

NM_001114753.3(ENG):c.1532C>T (p.Ala511Val)

Genes: ENG (endoglin; minus strand), LOC102723566 (uncharacterized LOC102723566; plus strand). Cytogenetic location: 9q34.11.
Variant type: single nucleotide variant.
Coding change: c.1532C>T on transcript NM_001114753.3 (MANE Select); coding-DNA position 1532, C replaced by T.
Protein change: p.Ala511Val; replaces alanine 511 with valine.
Molecular consequence: missense variant.
Genome position (GRCh38, 1-based): chr9:127,818,274, G>A on the plus strand (C>T on the coding strand, the complement: ENG is on the minus strand). VCF-style: chr9-127818274-G-A. GRCh37 (hg19) VCF-style: chr9-130580553-G-A.
Other names: c.1532C>T, p.Ala511Val (NM_000118.4); c.986C>T, p.Ala329Val (NM_001278138.2); c.1532C>T (NM_001114753.1); short protein forms A511V, A329V.
Identifiers: ClinVar variation 1986841 (VCV001986841.5), dbSNP rs200224098, ClinGen allele CA5252736.